The following is an entry in ClinVar:

ClinVar aggregate classification (germline): Conflicting classifications of pathogenicity. Review status: criteria provided, conflicting classifications (1 of 4 stars). 8 submissions from 8 submitters: Uncertain significance (7); Likely benign (1). Last evaluated 2026-02-01.

Conditions:
Monocytopenia with susceptibility to infections. Also called: IMMUNODEFICIENCY 21; GATA2 DEFICIENCY; MONOCYTOPENIA AND MYCOBACTERIAL INFECTION SYNDROME; MONOCYTOPENIA WITH SUSCEPTIBILITY TO MYCOBACTERIAL, FUNGAL, AND PAPILLOMAVIRUS INFECTIONS AND MYELODYSPLASIA; COMBINED IMMUNODEFICIENCY WITH SUSCEPTIBILITY TO MYCOBACTERIAL, VIRAL, AND FUNGAL INFECTIONS; Dendritic cell, monocyte, B lymphocyte, and natural killer lymphocyte deficiency. Identifiers: Orphanet 228423, MedGen C3280030, MONDO:0013607, OMIM 614172.
Deafness-lymphedema-leukemia syndrome. Also called: Emberger syndrome; Lymphedema, primary, with myelodysplasia. Identifiers: Orphanet 3226, MedGen C3279664, MONDO:0013540, OMIM 614038.
Myelodysplastic syndrome (MDS). Also called: Myelodysplastic syndromes; Myelodysplastic syndrome, somatic; MYELODYSPLASTIC SYNDROME, SUSCEPTIBILITY TO. Identifiers: Orphanet 52688, MedGen C3463824, MeSH D009190, MONDO:0018881, OMIM 614286.
Acute myeloid leukemia (AML). Also called: Acute myeloid leukemia, adult; AML adult; Acute non-lymphocytic leukemia; Acute granulocytic leukemia; Leukemia, acute myelogenous, somatic; Leukemia, acute myeloid, somatic. Identifiers: Orphanet 519, MedGen C0023467, MeSH D015470, MONDO:0018874, OMIM 601626, HP:0004808. Disease mechanism: Constitutively activated FLT3.
Inborn genetic diseases. Identifiers: MedGen C0950123, MeSH D030342.
Hereditary cancer-predisposing syndrome. Also called: Hereditary neoplastic syndrome; Tumor predisposition; Hereditary Cancer Syndrome; Neoplastic Syndromes, Hereditary. Identifiers: Orphanet 140162, MedGen C0027672, MeSH D009386, MONDO:0015356.

Allele frequency attached by ClinVar (database versions not stated): 1000 Genomes Project 0.00020; ExAC 0.00009; gnomAD 0.00009 and 0.00010; gnomAD exomes 0.00011 and 0.00014; TOPMed 0.00011; ESP Exome Variant Server 0.00015; 1000 Genomes Project 30x 0.00016.
gnomAD v4.1: 219 of 1,613,988 alleles (0.014%); highest among the groups gnomAD compares: Non-Finnish European, 0.016%; no homozygotes.

Submissions (8):

Labcorp Genetics (formerly Invitae), Labcorp
Classification: Uncertain significance for Monocytopenia with susceptibility to infections; Deafness-lymphedema-leukemia syndrome. Last evaluated: 2026-02-01. Review status: criteria provided, single submitter. Criteria: Invitae Variant Classification Sherloc (09022015). Collection method: clinical testing. Allele origin: germline.
Comment: This sequence change replaces serine, which is neutral and polar, with glycine, which is neutral and non-polar, at codon 277 of the GATA2 protein (p.Ser277Gly). This variant is present in population databases (rs141800945, gnomAD 0.02%). This variant has not been reported in the literature in individuals affected with GATA2-related conditions. ClinVar contains an entry for this variant (Variation ID: 435283). Invitae Evidence Modeling of protein sequence and biophysical properties (such as structural, functional, and spatial information, amino acid conservation, physicochemical variation, residue mobility, and thermodynamic stability) indicates that this missense variant is not expected to disrupt GATA2 protein function with a negative predictive value of 95%. In summary, the available evidence is currently insufficient to determine the role of this variant in disease. Therefore, it has been classified as a Variant of Uncertain Significance.

GeneDx
Classification: Uncertain significance. Last evaluated: 2025-02-20. Review status: criteria provided, single submitter. Criteria: GeneDx Variant Classification Process June 2021. Collection method: clinical testing. Allele origin: germline.
Comment: In silico analysis indicates that this missense variant does not alter protein structure/function; Has not been previously published as pathogenic or benign to our knowledge

Ambry Genetics
Classification: Likely benign for Inborn genetic diseases. Last evaluated: 2024-08-20. Review status: criteria provided, single submitter. Criteria: Ambry Variant Classification Scheme 2023. Collection method: clinical testing. Allele origin: germline.

Baylor Genetics
Classification: Uncertain significance for Acute myeloid leukemia. Last evaluated: 2024-01-26. Review status: criteria provided, single submitter. Criteria: ACMG Guidelines, 2015. Collection method: clinical testing. Allele origin: unknown.

Fulgent Genetics
Classification: Uncertain significance for Acute myeloid leukemia; Deafness-lymphedema-leukemia syndrome; Monocytopenia with susceptibility to infections; Myelodysplastic syndrome. Last evaluated: 2022-02-09. Review status: criteria provided, single submitter. Criteria: ACMG Guidelines, 2015. Collection method: clinical testing. Allele origin: unknown.

Sema4
Classification: Uncertain significance for Hereditary cancer-predisposing syndrome. Last evaluated: 2021-11-02. Review status: criteria provided, single submitter. Criteria: Sema4 Curation Guidelines. Collection method: curation. Allele origin: germline.
Comment: The GATA2 c.829A>G (p.S277G) variant has not been reported in the literature to our knowledge. It was observed in 31/280564 chromosomes in the Genome Aggregation Database (PMID: 32461654). The variant has been reported in ClinVar (Variation ID 435283). Functional studies have not been performed, and in silico predictions of the variant's effect on protein function are inconclusive. The evidence is insufficient to meet ACMG/AMP criteria for classifying the variant as benign or pathogenic. Thus, the clinical significance of this variant is currently uncertain.

CeGaT Center for Human Genetics Tuebingen
Classification: Uncertain significance. Last evaluated: 2020-05-01. Review status: criteria provided, single submitter. Criteria: CeGaT Center For Human Genetics Tuebingen Variant Classification Criteria Version 2. Collection method: clinical testing. Allele origin: germline. Affected: yes. Observed: 2 variant alleles.

Genetic Services Laboratory, University of Chicago
Classification: Uncertain significance. Last evaluated: 2016-05-18. Review status: criteria provided, single submitter. Criteria: ACMG Guidelines, 2015. Collection method: clinical testing. Allele origin: germline. Affected: no.

NM_032638.5(GATA2):c.829A>G (p.Ser277Gly)

Gene: GATA2 (GATA binding protein 2; minus strand). Cytogenetic location: 3q21.3.
Variant type: single nucleotide variant.
Coding change: c.829A>G on transcript NM_032638.5 (MANE Select); coding-DNA position 829, A replaced by G.
Protein change: p.Ser277Gly; replaces serine 277 with glycine.
Molecular consequence: missense variant.
Genome position (GRCh38, 1-based): chr3:128,485,769, T>C on the plus strand (A>G on the coding strand, the complement: GATA2 is on the minus strand). VCF-style: chr3-128485769-T-C. GRCh37 (hg19) VCF-style: chr3-128204612-T-C.
Other names: c.829A>G, p.Ser277Gly (NM_001145661.2, NM_001145662.1); short protein forms S277G.
Identifiers: ClinVar variation 435283 (VCV000435283.60), dbSNP rs141800945, ClinGen allele CA2599954.